The following is an entry in ClinVar:

NM_018075.5(ANO10):c.289del (p.Thr96_Met97insTer)

Gene: ANO10 (anoctamin 10; minus strand). Cytogenetic location: 3p21.33.
Variant type: Deletion.
Coding change: c.289del on transcript NM_018075.5 (MANE Select); coding-DNA position 289, one base deleted (A; older notation c.289delA).
Protein change: p.Thr96_Met97insTer.
Molecular consequence: nonsense. On other transcripts: intron variant (4).
Genome position (GRCh38, 1-based): chr3:43,600,432, T deleted on the plus strand (A on the coding strand, the reverse complement: ANO10 is on the minus strand). VCF-style (leftmost placement, unchanged base first): chr3-43600431-AT-A. GRCh37 (hg19) VCF-style: chr3-43641923-AT-A.
Other names: c.289del, p.Thr96_Met97insTer (NM_001204831.3, NM_001204834.3, NM_001346463.2 and 4 more transcripts); c.140-1766del (NM_001346469.2, NM_001204832.3, NM_001346466.2); c.139+5282del (NM_001204833.3); c.289delA (NM_018075.5).
Identifiers: ClinVar variation 503974 (VCV000503974.28), dbSNP rs772345347, ClinGen allele CA2341096.

ClinVar aggregate classification (germline): Pathogenic/Likely pathogenic. Review status: criteria provided, multiple submitters, no conflicts (2 of 4 stars). 7 submissions from 7 submitters: Pathogenic (6); Likely pathogenic (1). Last evaluated 2025-07-18.

Conditions:
Autosomal recessive spinocerebellar ataxia 10. Identifiers: Orphanet 284289, MedGen C3150998, MONDO:0013392, OMIM 613728.
ANO10-related disorder. Also called: ANO10-related condition.

Allele frequency attached by ClinVar (database versions not stated): TOPMed below 0.00001; ExAC 0.00001; gnomAD 0.00001; gnomAD exomes 0.00001 and 0.00002.

Submissions (7):

Women's Health and Genetics/Laboratory Corporation of America, LabCorp
Classification: Pathogenic for Autosomal recessive spinocerebellar ataxia 10. Last evaluated: 2025-07-18. Review status: criteria provided, single submitter. Criteria: LabCorp Variant Classification Summary - May 2015. Collection method: clinical testing. Allele origin: germline.
Comment: Variant summary: ANO10 c.289delA (p.Met97X) results in a premature termination codon, predicted to cause a truncation of the encoded protein or absence of the protein due to nonsense mediated decay, which are commonly known mechanisms for disease. The variant allele was found at a frequency of 2e-05 in 251398 control chromosomes. c.289delA has been observed in individual(s) affected with Spastic ataxia (example: Coutelier_2018). These data indicate that the variant may be associated with disease. The following publication has been ascertained in the context of this evaluation (PMID: 29482223). ClinVar contains an entry for this variant (Variation ID: 503974). Based on the evidence outlined above, the variant was classified as pathogenic.

CeGaT Center for Human Genetics Tuebingen
Classification: Pathogenic. Last evaluated: 2024-06-01. Review status: criteria provided, single submitter. Criteria: CeGaT Center For Human Genetics Tuebingen Variant Classification Criteria Version 2. Collection method: clinical testing. Allele origin: germline. Affected: yes. Observed: 1 variant allele.
Comment: ANO10: PVS1, PM3:Strong, PM2

Fulgent Genetics
Classification: Pathogenic for Autosomal recessive spinocerebellar ataxia 10. Last evaluated: 2024-04-24. Review status: criteria provided, single submitter. Criteria: ACMG Guidelines, 2015. Collection method: clinical testing. Allele origin: germline.

Labcorp Genetics (formerly Invitae), Labcorp
Classification: Pathogenic. Last evaluated: 2023-12-01. Review status: criteria provided, single submitter. Criteria: Invitae Variant Classification Sherloc (09022015). Collection method: clinical testing. Allele origin: germline.
Comment: This sequence change creates a premature translational stop signal (p.Met97*) in the ANO10 gene. It is expected to result in an absent or disrupted protein product. Loss-of-function variants in ANO10 are known to be pathogenic (PMID: 25089919). This variant is present in population databases (rs772345347, gnomAD 0.004%). This premature translational stop signal has been observed in individual(s) with ANO10-related conditions (PMID: 29482223). ClinVar contains an entry for this variant (Variation ID: 503974). For these reasons, this variant has been classified as Pathogenic.

Blueprint Genetics
Classification: Pathogenic for ANO10-related disorders. Last evaluated: 2021-12-02. Review status: criteria provided, single submitter. Criteria: ACMG Guidelines, 2015. Collection method: clinical testing. Allele origin: germline. Affected: yes. Observed: 2 variant alleles.

Molecular Medicine for Neurodegenerative and Neuromuscular Diseases Unit, IRCCS Fondazione Stella Maris
Classification: Pathogenic for Autosomal recessive spinocerebellar ataxia 10. Last evaluated: 2021-01-04. Review status: criteria provided, single submitter. Criteria: ACMG Guidelines, 2015. Collection method: research. Allele origin: unknown. Affected: yes.

GeneDx
Classification: Likely pathogenic. Last evaluated: 2017-12-29. Review status: criteria provided, single submitter. Criteria: GeneDx Variant Classification (06012015). Collection method: clinical testing. Allele origin: germline. Affected: yes.
Comment: The M97X variant has not been reported previously as a pathogenic variant nor as a benign variant, to our knowledge. This variant is predicted to cause loss of normal protein function either through protein truncation or nonsense-mediated mRNA decay. The M97X variant is not observed at a significant frequency in large population cohorts (Lek et al., 2016).

Literature cited by the submitters: PubMed 29482223 (cited by Women's Health and Genetics/Laboratory Corporation of America, LabCorp and Labcorp Genetics (formerly Invitae), Labcorp); PubMed 25089919 (cited by Labcorp Genetics (formerly Invitae), Labcorp).